The following is an entry in ClinVar:

ClinVar aggregate classification (germline): Pathogenic (1 of 4 stars; one submission).

Submission:

ISCA site 4
Classification: Pathogenic. Last evaluated: 2011-08-12. Review status: criteria provided, single submitter. Criteria: Kaminsky et al. (Genet Med. 2011). Collection method: clinical testing. Allele origin: de novo. Affected: yes. Observed: 1 variant allele.
Comment: Copy number variation identified through the course of routine clinical cytogenomic testing in postnatal populations. Clinical assertions have been curated as described in Kaminsky et al. 2011.

GRCh38/hg38 8p23.1(chr8:9924272-11573632)x1

Genes: BLK (BLK proto-oncogene, Src family tyrosine kinase), BLK-AS1 (BLK antisense RNA 1), C8orf74 (chromosome 8 open reading frame 74), CRE3 (CRE3 CAGE-defined tissue-specific enhancer), FAM167A (family with sequence similarity 167 member A) and 84 more. Cytogenetic location: 8p23.1.
Variant type: copy number loss.
Change: copy number 1 (one copy instead of two) of chr8:9,924,272-11,573,632 (1.65 Mb, GRCh38 coordinates, 1-based), cytogenetic band 8p23.1.
Identifiers: ClinVar variation 60348 (VCV000060348.1).